The following is an entry in ClinVar:

NM_001267550.2(TTN):c.97445T>C (p.Ile32482Thr)

Genes: TTN-AS1 (TTN antisense RNA 1; plus strand), TTN (titin; minus strand). Cytogenetic location: 2q31.2.
Variant type: single nucleotide variant.
Coding change: c.97445T>C on transcript NM_001267550.2 (MANE Select); coding-DNA position 97445, T replaced by C.
Protein change: p.Ile32482Thr; replaces isoleucine 32482 with threonine.
Molecular consequence: missense variant. On other transcripts: non-coding transcript variant (1).
Genome position (GRCh38, 1-based): chr2:178,542,311, A>G on the plus strand (T>C on the coding strand, the complement: TTN is on the minus strand). VCF-style: chr2-178542311-A-G. GRCh37 (hg19) VCF-style: chr2-179407038-A-G.
Other names: p.I30841T:ATT>ACT; p.Ile30841Thr; c.92522T>C, p.Ile30841Thr (NM_001256850.1); c.70250T>C, p.Ile23417Thr (NM_003319.4); c.89741T>C, p.Ile29914Thr (NM_133378.4); c.70625T>C, p.Ile23542Thr (NM_133432.3); c.70826T>C, p.Ile23609Thr (NM_133437.4); short protein forms I30841T, I32482T, I29914T, I23609T, I23417T, I23542T.
Identifiers: ClinVar variation 203029 (VCV000203029.7), dbSNP rs773555433, ClinGen allele CA311025.
Genomic context (GRCh38, chr2:178,542,311, plus strand): 5'-CCTGTGGACTTACGGATGCTGCTGCGACACTCTATGACCTCAGACTGCAAGTAAGAGCCA[A>G]TCCCGAAGCGGTTTGTTGCAGCCACACGGAACACATACTCATTTCCTTCGGTGAGTCTGG-3'
Protein context (NP_001254479.2, residues 32472-32492): FRVAATNRFG[Ile32482Thr]GSYLQSEVIE

ClinVar aggregate classification (germline): Conflicting classifications of pathogenicity. Review status: criteria provided, conflicting classifications (1 of 4 stars). 4 submissions from 4 submitters: Uncertain significance (3); Likely benign (1). Last evaluated 2023-04-27.

Allele frequency attached by ClinVar (database versions not stated): TOPMed below 0.00001; gnomAD exomes 0.00001 and 0.00002; ExAC 0.00002.
gnomAD v4.1: 36 of 1,612,578 alleles (0.0022%); highest among the groups gnomAD compares: Non-Finnish European, 0.0027%; no homozygotes.

Submissions (4):

Blueprint Genetics
Classification: Likely benign. Last evaluated: 2023-04-27. Review status: criteria provided, single submitter. Criteria: ACMG Guidelines, 2015. Collection method: clinical testing. Allele origin: germline.

Mayo Clinic Laboratories, Mayo Clinic
Classification: Uncertain significance. Last evaluated: 2022-10-11. Review status: criteria provided, single submitter. Criteria: ACMG Guidelines, 2015. Collection method: clinical testing. Allele origin: germline. Observed: 1 variant allele.
Comment: BP4

Eurofins Ntd Llc (ga)
Classification: Uncertain significance. Last evaluated: 2015-07-17. Review status: criteria provided, single submitter. Criteria: EGL Classification Definitions 2015. Collection method: clinical testing. Allele origin: germline. Observed: 1 variant allele, 1 heterozygote.

GeneDx
Classification: Uncertain significance. Last evaluated: 2013-05-07. Review status: criteria provided, single submitter. Criteria: GeneDx Variant Classification (06012015). Collection method: clinical testing. Allele origin: germline. Affected: yes.
Comment: Missense variants in the TTN gene are considered 'unclassified' if they are not previously reported in the literature and do not have >1% frequency in the population to be considered a polymorphism. Research indicates that truncating mutations in the TTN gene are expected to account for approximately 25% of familial and 18% of sporadic idiopathic DCM; however, truncating variants in the TTN gene have been reported in approximately 3% of reported control alleles. There has been little investigation into non-truncating variants. (Herman D et al. Truncations of titin causing dilated cardiomyopathy. N Eng J Med 366:619-628, 2012) The variant is found in DCM panel(s).